The following is an entry in ClinVar:

ClinVar aggregate classification (germline): Benign/Likely benign. Review status: criteria provided, multiple submitters, no conflicts (2 of 4 stars). 3 submissions from 3 submitters: Benign (1); Likely benign (2). Last evaluated 2026-01-05.

Conditions:
Spastic paraplegia. Identifiers: MedGen C0037772, HP:0001258.

Submissions (3):

Labcorp Genetics (formerly Invitae), Labcorp
Classification: Benign for Spastic paraplegia. Last evaluated: 2026-01-05. Review status: criteria provided, single submitter. Criteria: Invitae Variant Classification Sherloc (09022015). Collection method: clinical testing. Allele origin: germline.

Blueprint Genetics
Classification: Likely benign. Last evaluated: 2024-11-28. Review status: criteria provided, single submitter. Criteria: ACMG Guidelines, 2015. Collection method: clinical testing. Allele origin: germline.

GeneDx
Classification: Likely benign. Last evaluated: 2018-03-21. Review status: criteria provided, single submitter. Criteria: GeneDx Variant Classification (06012015). Collection method: clinical testing. Allele origin: germline. Affected: yes.
Comment: This variant is considered likely benign or benign based on one or more of the following criteria: it is a conservative change, it occurs at a poorly conserved position in the protein, it is predicted to be benign by multiple in silico algorithms, and/or has population frequency not consistent with disease.

NM_005619.5(RTN2):c.1381-12del

Genes: OPA3-RTN2 (OPA3-RTN2 readthrough; minus strand), RTN2 (reticulon 2; minus strand). Cytogenetic location: 19q13.32.
Variant type: Deletion.
Coding change: c.1381-12del on transcript NM_005619.5 (MANE Select); 12 bases into the intron before coding-DNA position 1381, one base deleted (C; older notation c.1381-12delC).
Molecular consequence: intron variant.
Genome position (GRCh38, 1-based): chr19:45,488,718, G deleted on the plus strand (C on the coding strand, the reverse complement: RTN2 is on the minus strand); the first of 2 consecutive G bases (chr19:45,488,718-45,488,719); deleting either gives the same sequence. VCF-style (leftmost placement, unchanged base first): chr19-45488717-AG-A. GRCh37 (hg19) VCF-style: chr19-45991975-AG-A.
Other names: c.1162-12del (NM_206900.3); c.361-12del (NM_206901.3).
Identifiers: ClinVar variation 329548 (VCV000329548.14), dbSNP rs537146226, ClinGen allele CA9515984.